The following is an entry in ClinVar:

NM_000088.4(COL1A1):c.2T>A (p.Met1Lys)

Gene: COL1A1 (collagen type I alpha 1 chain; minus strand). Cytogenetic location: 17q21.33.
Variant type: single nucleotide variant.
Coding change: c.2T>A on transcript NM_000088.4 (MANE Select); coding-DNA position 2, T replaced by A.
Protein change: p.Met1Lys; changes the start codon (methionine 1).
Molecular consequence: missense variant, initiator codon variant.
Genome position (GRCh38, 1-based): chr17:50,201,512, A>T on the plus strand (T>A on the coding strand, the complement: COL1A1 is on the minus strand). VCF-style: chr17-50201512-A-T. GRCh37 (hg19) VCF-style: chr17-48278873-A-T.
Other names: short protein forms M1K.
Identifiers: ClinVar variation 4718603 (VCV004718603.1).

ClinVar aggregate classification (germline): Pathogenic (1 of 4 stars; one submission).

Conditions:
Osteogenesis imperfecta type I (OI1). Also called: Lobstein disease; Classic Non-deforming Osteogenesis Imperfecta with Blue Sclerae; OI, TYPE I; OSTEOGENESIS IMPERFECTA TARDA; OSTEOGENESIS IMPERFECTA WITH BLUE SCLERAE; Osteogenesis imperfecta type 1. Identifiers: Orphanet 216796, Orphanet 666, MedGen C0023931, MONDO:0008146, OMIM 166200. Disease mechanism: loss of function.

Submission:

Labcorp Genetics (formerly Invitae), Labcorp
Classification: Pathogenic for Osteogenesis imperfecta type I. Last evaluated: 2025-04-29. Review status: criteria provided, single submitter. Criteria: Invitae Variant Classification Sherloc (09022015). Collection method: clinical testing. Allele origin: germline.
Comment: This sequence change affects the initiator codon of the COL1A1 mRNA. This change may impact translation initiation or efficiency. The next in-frame methionine is located at codon 181. This variant is not present in population databases (gnomAD no frequency). Disruption of the initiator codon has been observed in individuals with osteogenesis imperfecta type 1 (PMID: 23529829). It has also been observed to segregate with disease in related individuals. For these reasons, this variant has been classified as Pathogenic.

Literature cited by the submitters: PubMed 23529829.